The following is an entry in ClinVar:

ClinVar aggregate classification (germline): Uncertain significance (1 of 4 stars; one submission).

Conditions:
Anauxetic dysplasia. Identifiers: Orphanet 93347, MedGen C1846796, MONDO:0011773.

gnomAD v4.1: 6 of 683,428 alleles (0.00088%); highest among the groups gnomAD compares: African/African-American, 0.0018%; no homozygotes.

Submission:

Labcorp Genetics (formerly Invitae), Labcorp
Classification: Uncertain significance for Anauxetic dysplasia. Last evaluated: 2025-04-14. Review status: criteria provided, single submitter. Criteria: Invitae Variant Classification Sherloc (09022015). Collection method: clinical testing. Allele origin: germline.
Comment: This variant occurs in the RMRP gene, which encodes an RNA molecule that does not result in a protein product. The frequency data for this variant in the population databases is considered unreliable, as metrics indicate poor data quality at this position in the gnomAD database. This variant has not been reported in the literature in individuals affected with RMRP-related conditions. ClinVar contains an entry for this variant (Variation ID: 1419960). Experimental studies and prediction algorithms are not available or were not evaluated, and the functional significance of this variant is currently unknown. In summary, the available evidence is currently insufficient to determine the role of this variant in disease. Therefore, it has been classified as a Variant of Uncertain Significance.

NC_000009.12:g.35657751A>T

Gene: RMRP (RNA component of mitochondrial RNA processing endoribonuclease; minus strand). Cytogenetic location: 9p13.3.
Variant type: single nucleotide variant.
Genome position: GRCh38 VCF-style: chr9-35657751-A-T. GRCh37 (hg19) VCF-style: chr9-35657748-A-T.
Identifiers: ClinVar variation 1419960 (VCV001419960.6), dbSNP rs572399988, ClinGen allele CA192745522.
Genomic context (GRCh38, chr9:35,657,751, plus strand): 5'-GGCATCGCGTGAGCCCGGGGAGGTCGAGGCTGCAGTGAGCCGTGGTCTCGGGAACAAAAA[A>T]CAGCCGCGCTGAGAATGAGCCCCGTGTGGTTGGTGCGCGGACACGCACTGCCTGCGTAAC-3'